The following is an entry in ClinVar:

NM_000337.6(SGCD):c.292C>T (p.Pro98Ser)

Gene: SGCD (sarcoglycan delta; plus strand). Cytogenetic location: 5q33.3.
Variant type: single nucleotide variant.
Coding change: c.292C>T on transcript NM_000337.6 (MANE Select); coding-DNA position 292, C replaced by T.
Protein change: p.Pro98Ser; replaces proline 98 with serine.
Molecular consequence: missense variant.
Genome position (GRCh38, 1-based): chr5:156,508,700, C>T. VCF-style: chr5-156508700-C-T. GRCh37 (hg19) VCF-style: chr5-155935710-C-T.
Other names: c.289C>T, p.Pro97Ser (NM_001128209.2); c.292C>T, p.Pro98Ser (NM_172244.3); short protein forms P97S, P98S.
Identifiers: ClinVar variation 837681 (VCV000837681.10), dbSNP rs1437006739, ClinGen allele CA362008134.

ClinVar aggregate classification (germline): Uncertain significance. Review status: criteria provided, multiple submitters, no conflicts (2 of 4 stars). 5 submissions from 4 submitters: Uncertain significance (5). Last evaluated 2023-12-12.

Conditions:
Autosomal recessive limb-girdle muscular dystrophy type 2F (LGMDR6). Also called: Muscular dystrophy limb-girdle with delta-sarcoglyan deficiency; MUSCULAR DYSTROPHY, LIMB-GIRDLE, AUTOSOMAL RECESSIVE 6. Identifiers: Orphanet 219, MedGen C1832525, MONDO:0011028, OMIM 601287. Disease mechanism: Affects gamma-sarcoglycan and also disrupts the integrity of the entire sarcoglycan complex..
Dilated cardiomyopathy 1L (CMD1L). Identifiers: Orphanet 154, MedGen C1847667, MONDO:0011702, OMIM 606685.
Inborn genetic diseases. Identifiers: MedGen C0950123, MeSH D030342.

Allele frequency attached by ClinVar (database versions not stated): gnomAD 0.00004; TOPMed 0.00002.
gnomAD v4.1: 16 of 1,562,248 alleles (0.001%); highest among the groups gnomAD compares: Admixed American, 0.014%; no homozygotes.

Submissions (5):

Ambry Genetics
Classification: Uncertain significance for Inborn genetic diseases. Last evaluated: 2023-12-12. Review status: criteria provided, single submitter. Criteria: Ambry Variant Classification Scheme 2023. Collection method: clinical testing. Allele origin: germline.
Comment: The p.P98S variant (also known as c.292C>T), located in coding exon 3 of the SGCD gene, results from a C to T substitution at nucleotide position 292. The proline at codon 98 is replaced by serine, an amino acid with similar properties. This amino acid position is conserved. In addition, the in silico prediction for this alteration is inconclusive. Since supporting evidence is limited at this time, the clinical significance of this alteration remains unclear.

Genome-Nilou Lab
Classification: Uncertain significance for Autosomal recessive limb-girdle muscular dystrophy type 2F. Last evaluated: 2023-02-08. Review status: criteria provided, single submitter. Criteria: ACMG Guidelines, 2015. Collection method: clinical testing. Allele origin: germline.

Genome-Nilou Lab
Classification: Uncertain significance for Dilated cardiomyopathy 1L. Last evaluated: 2023-02-08. Review status: criteria provided, single submitter. Criteria: ACMG Guidelines, 2015. Collection method: clinical testing. Allele origin: germline.

Labcorp Genetics (formerly Invitae), Labcorp
Classification: Uncertain significance for Autosomal recessive limb-girdle muscular dystrophy type 2F. Last evaluated: 2022-07-12. Review status: criteria provided, single submitter. Criteria: Invitae Variant Classification Sherloc (09022015). Collection method: clinical testing. Allele origin: germline.
Comment: This sequence change replaces proline, which is neutral and non-polar, with serine, which is neutral and polar, at codon 98 of the SGCD protein (p.Pro98Ser). The frequency data for this variant in the population databases is considered unreliable, as metrics indicate poor data quality at this position in the gnomAD database. This variant has not been reported in the literature in individuals affected with SGCD-related conditions. ClinVar contains an entry for this variant (Variation ID: 837681). Algorithms developed to predict the effect of missense changes on protein structure and function (SIFT, PolyPhen-2, Align-GVGD) all suggest that this variant is likely to be tolerated. In summary, the available evidence is currently insufficient to determine the role of this variant in disease. Therefore, it has been classified as a Variant of Uncertain Significance.

Fulgent Genetics
Classification: Uncertain significance for Autosomal recessive limb-girdle muscular dystrophy type 2F; Dilated cardiomyopathy 1L. Last evaluated: 2021-11-15. Review status: criteria provided, single submitter. Criteria: ACMG Guidelines, 2015. Collection method: clinical testing. Allele origin: unknown.